The following is an entry in ClinVar:

NM_001083619.3(GRIA2):c.1932C>A (p.Phe644Leu)

Gene: GRIA2 (glutamate ionotropic receptor AMPA type subunit 2; plus strand). Cytogenetic location: 4q32.1.
Variant type: single nucleotide variant.
Coding change: c.1932C>A on transcript NM_001083619.3 (MANE Select); coding-DNA position 1932, C replaced by A.
Protein change: p.Phe644Leu; replaces phenylalanine 644 with leucine.
Molecular consequence: missense variant.
Genome position (GRCh38, 1-based): chr4:157,341,351, C>A. VCF-style: chr4-157341351-C-A. GRCh37 (hg19) VCF-style: chr4-158262503-C-A.
Other names: c.1932C>A, p.Phe644Leu (NM_000826.6); c.1791C>A, p.Phe597Leu (NM_001083620.3, NM_001379000.3, NM_001379001.3); short protein forms F597L, F644L.
Identifiers: ClinVar variation 1064415 (VCV001064415.1), dbSNP rs761753966, ClinGen allele CA358648933.

ClinVar aggregate classification (germline): Likely pathogenic (1 of 4 stars; one submission).

Conditions:
Neurodevelopmental disorder with language impairment and behavioral abnormalities. Also called: GRIA2-related neurodevelopmental disorder. Identifiers: MedGen C5394502, MONDO:0030060, OMIM 618917.

Submission:

SIB Swiss Institute of Bioinformatics
Classification: Likely pathogenic for Neurodevelopmental disorder with language impairment and behavioral abnormalities. Last evaluated: 2021-04-01. Review status: criteria provided, single submitter. Criteria: ACMG Guidelines, 2015. Collection method: curation. Allele origin: unknown.
Comment: This variant is interpreted as a likely pathogenic for Neurodevelopmental disorder with language impairment and behavioral abnormalities, autosomal dominant. The following ACMG Tag(s) were applied: Absent from controls (or at extremely low frequency if recessive) in Exome Sequencing Project, 1000 Genomes Project, or Exome Aggregation Consortium (PM2); De novo (paternity and maternity confirmed) (PS2 downgraded to moderate); Multiple lines of computational evidence support a deleterious effect on the gene or gene product (PP3); Missense variant in a gene that has a low rate of benign missense variation and in which missense variants are a common mechanism of disease (PP2); Well-established functional studies show a deleterious effect (PS3 downgraded to supporting)

Literature cited by the submitters: PubMed 31300657.